The following is an entry in ClinVar:

ClinVar aggregate classification (germline): Benign/Likely benign. Review status: criteria provided, multiple submitters, no conflicts (2 of 4 stars). 7 submissions from 7 submitters: Benign (1); Likely benign (6). Last evaluated 2025-08-25.

Conditions:
CDH1-related diffuse gastric and lobular breast cancer syndrome. Also called: CDH1-related diffuse gastric and lobular breast cancer. Identifiers: MedGen CN311521, MONDO:0100488.
Hereditary cancer-predisposing syndrome. Also called: Neoplastic Syndromes, Hereditary; Tumor predisposition; Hereditary neoplastic syndrome; Hereditary Cancer Syndrome. Identifiers: Orphanet 140162, MedGen C0027672, MeSH D009386, MONDO:0015356.
Hereditary diffuse gastric adenocarcinoma (HDGC). Also called: DIFFUSE GASTRIC AND LOBULAR BREAST CANCER SYNDROME. Identifiers: Orphanet 26106, MedGen C1708349, MONDO:0007648, OMIM 137215.

Allele frequency attached by ClinVar (database versions not stated): gnomAD exomes below 0.00001 and 0.00001; ExAC 0.00001; gnomAD 0.00001; TOPMed 0.00001.
gnomAD v4.1: 8 of 1,614,030 alleles (0.0005%); highest among the groups gnomAD compares: Admixed American, 0.0033%; no homozygotes.

Submissions (7):

Labcorp Genetics (formerly Invitae), Labcorp
Classification: Likely benign for Hereditary diffuse gastric adenocarcinoma. Last evaluated: 2025-08-25. Review status: criteria provided, single submitter. Criteria: Invitae Variant Classification Sherloc (09022015). Collection method: clinical testing. Allele origin: germline.

Department of Pathology and Laboratory Medicine, Sinai Health System
Classification: Likely benign for CDH1-related diffuse gastric and lobular breast cancer syndrome. Last evaluated: 2025-01-27. Review status: criteria provided, single submitter. Criteria: ACMG Guidelines, 2015. Collection method: clinical testing. Allele origin: germline.

Myriad Genetics, Inc.
Classification: Benign for Hereditary diffuse gastric adenocarcinoma. Last evaluated: 2024-09-18. Review status: criteria provided, single submitter. Criteria: Myriad Autosomal Dominant, Autosomal Recessive and X-Linked Classification Criteria (2023). Collection method: clinical testing. Allele origin: unknown.
Comment: This variant is considered benign. This variant is a silent/synonymous amino acid change and it is not expected to impact splicing.

Women's Health and Genetics/Laboratory Corporation of America, LabCorp
Classification: Likely benign. Last evaluated: 2024-05-24. Review status: criteria provided, single submitter. Criteria: LabCorp Variant Classification Summary - May 2015. Collection method: clinical testing. Allele origin: germline.

Color Diagnostics, LLC DBA Color Health
Classification: Likely benign for Hereditary cancer-predisposing syndrome. Last evaluated: 2016-10-05. Review status: criteria provided, single submitter. Criteria: ACMG Guidelines, 2015. Collection method: clinical testing. Allele origin: germline.

Ambry Genetics
Classification: Likely benign for Hereditary cancer-predisposing syndrome. Last evaluated: 2016-05-19. Review status: criteria provided, single submitter. Criteria: Ambry Variant Classification Scheme 2023. Collection method: clinical testing. Allele origin: germline.

GeneDx
Classification: Likely benign. Last evaluated: 2016-04-08. Review status: criteria provided, single submitter. Criteria: GeneDx Variant Classification (06012015). Collection method: clinical testing. Allele origin: germline. Affected: yes.
Comment: This variant is considered likely benign or benign based on one or more of the following criteria: it is a conservative change, it occurs at a poorly conserved position in the protein, it is predicted to be benign by multiple in silico algorithms, and/or has population frequency not consistent with disease.

NM_004360.5(CDH1):c.1233T>C (p.Ala411=)

Gene: CDH1 (cadherin 1; plus strand). Cytogenetic location: 16q22.1.
Variant type: single nucleotide variant.
Coding change: c.1233T>C on transcript NM_004360.5 (MANE Select); coding-DNA position 1233, T replaced by C.
Protein change: p.Ala411=; no amino-acid change (alanine 411 retained).
Molecular consequence: synonymous variant. On other transcripts: 5 prime UTR variant (2), intron variant (1).
Genome position (GRCh38, 1-based): chr16:68,813,408, T>C. VCF-style: chr16-68813408-T-C. GRCh37 (hg19) VCF-style: chr16-68847311-T-C.
Other names: c.1233T>C (LRG_301t1); c.-383T>C (NM_001317185.2); c.-587T>C (NM_001317186.2); c.1137+1145T>C (NM_001317184.2).
Identifiers: ClinVar variation 239877 (VCV000239877.21), dbSNP rs779630879, ClinGen allele CA8130023.